The following is an entry in ClinVar:

NM_000535.7(PMS2):c.66A>G (p.Ser22=)

Gene: PMS2 (PMS1 homolog 2, mismatch repair system component; minus strand). Cytogenetic location: 7p22.1.
Variant type: single nucleotide variant.
Coding change: c.66A>G on transcript NM_000535.7 (MANE Select); coding-DNA position 66, A replaced by G.
Protein change: p.Ser22=; no amino-acid change (serine 22 retained).
Molecular consequence: synonymous variant. On other transcripts: 5 prime UTR variant (38), non-coding transcript variant (1), intron variant (7).
Genome position (GRCh38, 1-based): chr7:6,005,989, T>C on the plus strand (A>G on the coding strand, the complement: PMS2 is on the minus strand). VCF-style: chr7-6005989-T-C. GRCh37 (hg19) VCF-style: chr7-6045620-T-C.
Other names: c.-340A>G (NM_001018040.1, NM_001322003.2, NM_001322005.2 and 11 more transcripts); c.66A>G, p.Ser22= (NM_001322006.2, NM_001322014.2, NM_001406868.1 and 10 more transcripts); c.-150A>G (NM_001322007.2, NM_001406876.1, NM_001406883.1 and 4 more transcripts); c.-819A>G (NM_001322011.2, NM_001322012.2); c.-419A>G (NM_001322015.2, NM_001406875.1, NM_001406877.1 and 2 more transcripts); c.252A>G, p.Ser84= (NM_001406866.1); c.-366A>G (NM_001406880.1); c.-287A>G (NM_001406888.1, NM_001406889.1, NM_001406892.1 and 5 more transcripts); and 7 more.
Identifiers: ClinVar variation 1754966 (VCV001754966.3), dbSNP rs2128846256, ClinGen allele CA453650329.

ClinVar aggregate classification (germline): Benign/Likely benign. Review status: criteria provided, multiple submitters, no conflicts (2 of 4 stars). 2 submissions from 2 submitters: Benign (1); Likely benign (1). Last evaluated 2025-01-23.

Conditions:
Hereditary cancer-predisposing syndrome. Also called: Neoplastic Syndromes, Hereditary; Tumor predisposition; Hereditary Cancer Syndrome; Hereditary neoplastic syndrome. Identifiers: Orphanet 140162, MedGen C0027672, MeSH D009386, MONDO:0015356.
Lynch syndrome 4 (LYNCH4). Also called: Hereditary non-polyposis colorectal cancer, type 4; Colorectal cancer, hereditary nonpolyposis, type 4. Identifiers: Orphanet 144, MedGen C1838333, MONDO:0013699, OMIM 614337. Disease mechanism: loss of function.

Submissions (2):

Myriad Genetics, Inc.
Classification: Benign for Lynch syndrome 4. Last evaluated: 2025-01-23. Review status: criteria provided, single submitter. Criteria: Myriad Autosomal Dominant, Autosomal Recessive and X-Linked Classification Criteria (2023). Collection method: clinical testing. Allele origin: unknown.
Comment: This variant is considered benign. This variant is a silent/synonymous amino acid change and it is not expected to impact splicing.

Ambry Genetics
Classification: Likely benign for Hereditary cancer-predisposing syndrome. Last evaluated: 2017-12-12. Review status: criteria provided, single submitter. Criteria: Ambry Variant Classification Scheme 2023. Collection method: clinical testing. Allele origin: germline.